The following is an entry in ClinVar:

ClinVar aggregate classification (germline): Uncertain significance (1 of 4 stars; one submission).

gnomAD v4.1: 1 of 1,584,650 alleles (0.000063%); highest among the groups gnomAD compares: African/African-American, 0.0013%; no homozygotes.

Submission:

Ambry Genetics
Classification: Uncertain significance. Last evaluated: 2025-02-02. Review status: criteria provided, single submitter. Criteria: Ambry Variant Classification Scheme 2023. Collection method: clinical testing. Allele origin: germline.
Comment: The p.E2169Q variant (also known as c.6505G>C), located in coding exon 27 of the WNK2 gene, results from a G to C substitution at nucleotide position 6505. The glutamic acid at codon 2169 is replaced by glutamine, an amino acid with highly similar properties. This amino acid position is conserved. In addition, this alteration is predicted to be tolerated by in silico analysis. Based on the available evidence, the clinical significance of this variant remains unclear.

NM_006648.4(WNK2):c.6505G>C (p.Glu2169Gln)

Gene: WNK2 (WNK lysine deficient protein kinase 2; plus strand). Cytogenetic location: 9q22.31.
Variant type: single nucleotide variant.
Coding change: c.6505G>C on transcript NM_006648.4 (MANE Select); coding-DNA position 6505, G replaced by C.
Protein change: p.Glu2169Gln; replaces glutamic acid 2169 with glutamine.
Molecular consequence: missense variant.
Genome position (GRCh38, 1-based): chr9:93,308,573, G>C. VCF-style: chr9-93308573-G-C. GRCh37 (hg19) VCF-style: chr9-96070855-G-C.
Other names: c.6616G>C, p.Glu2206Gln (NM_001282394.3); short protein forms E2206Q, E2169Q.
Identifiers: ClinVar variation 3470746 (VCV003470746.2).